The following is an entry in ClinVar:

ClinVar aggregate classification (germline): Likely pathogenic (1 of 4 stars; one submission).

Conditions:
PURA-related severe neonatal hypotonia-seizures-encephalopathy syndrome (NEDRIHF). Also called: PURA-Related Neurodevelopmental Disorders; NEURODEVELOPMENTAL DISORDER WITH NEONATAL RESPIRATORY INSUFFICIENCY, HYPOTONIA, AND FEEDING DIFFICULTIES. Identifiers: Orphanet 438213, Orphanet 438216, MedGen C4015357, MONDO:1060108, OMIM 616158, MONDO:0018580.

Submission:

Center for Human Genetics and Genomic Medicine, Uniklinik Rwth Aachen
Classification: Likely pathogenic for PURA-related severe neonatal hypotonia-seizures-encephalopathy syndrome. Last evaluated: 2021-10-04. Review status: criteria provided, single submitter. Criteria: ACMG Guidelines, 2015. Collection method: clinical testing. Allele origin: de novo. Affected: yes.
Comment: The variant apparantly occured de novo; it is absent from controls. Truncating variants in PURA have previously been described as pathogenic. We therefore regard the variant as "likely pathogenic".

NM_005859.5(PURA):c.66del (p.His23fs)

Gene: PURA (purine rich element binding protein A; plus strand). Cytogenetic location: 5q31.3.
Variant type: Deletion.
Coding change: c.66del on transcript NM_005859.5 (MANE Select); coding-DNA position 66, one base deleted (G; older notation c.66delG).
Protein change: p.His23fs; shifts the reading frame from histidine 23.
Molecular consequence: frameshift variant.
Genome position (GRCh38, 1-based): chr5:140,114,247, G deleted; the last of 4 consecutive G bases (chr5:140,114,244-140,114,247); deleting any one gives the same sequence. VCF-style (leftmost placement, unchanged base first): chr5-140114243-TG-T. GRCh37 (hg19) VCF-style: chr5-139493828-TG-T.
Other names: short protein forms H23fs.
Identifiers: ClinVar variation 1299239 (VCV001299239.3), dbSNP rs1581036051, ClinGen allele CA2499217689.
Genomic context (GRCh38, chr5:140,114,243, plus strand): 5'-TGGCGGACCGAGACAGCGGCAGCGAGCAGGGTGGTGCGGCGCTGGGTTCGGGCGGCTCCC[TG>T]GGGCACCCCGGCTCGGGCTCAGGCTCCGGCGGGGGCGGTGGTGGCGGCGGGGGCGGCGGC-3'